The following is an entry in ClinVar:

ClinVar aggregate classification (germline): Uncertain significance (1 of 4 stars; one submission).

Conditions:
Primary dilated cardiomyopathy (DCM). Also called: Dilated Cardiomyopathy. Identifiers: Orphanet 217604, MedGen C0007193, MeSH D002311, MONDO:0005021, HP:0001644. Inheritance: Various modes of inheritance.
Hypertrophic cardiomyopathy. Also called: HYPERTROPHIC MYOCARDIOPATHY. Identifiers: Orphanet 217569, MedGen C0007194, MeSH D002312, MONDO:0005045, HP:0001639.

Submission:

Labcorp Genetics (formerly Invitae), Labcorp
Classification: Uncertain significance for Hypertrophic cardiomyopathy; Primary dilated cardiomyopathy. Last evaluated: 2023-12-04. Review status: criteria provided, single submitter. Criteria: Invitae Variant Classification Sherloc (09022015). Collection method: clinical testing. Allele origin: germline.
Comment: This sequence change creates a premature translational stop signal (p.Cys294*) in the PDLIM3 gene. While this is not anticipated to result in nonsense mediated decay, it is expected to disrupt the last 71 amino acid(s) of the PDLIM3 protein. This variant is not present in population databases (gnomAD no frequency). This premature translational stop signal has been observed in individual(s) with atrial fibrillation (PMID: 32013268). This variant is also known as Chr4:186425651_1864 25652 (p.C294*fs*1). Experimental studies and prediction algorithms are not available or were not evaluated, and the functional significance of this variant is currently unknown. In summary, the available evidence is currently insufficient to determine the role of this variant in disease. Therefore, it has been classified as a Variant of Uncertain Significance.

Literature cited by the submitters: PubMed 32013268.

NM_014476.6(PDLIM3):c.882_883del (p.Cys294_Asp295delinsTer)

Gene: PDLIM3 (PDZ and LIM domain 3; minus strand). Cytogenetic location: 4q35.1.
Variant type: Microsatellite.
Coding change: c.882_883del on transcript NM_014476.6 (MANE Select); coding-DNA positions 882 to 883, 2 bases deleted (TG; older notation c.882_883delTG).
Protein change: p.Cys294_Asp295delinsTer.
Molecular consequence: nonsense. On other transcripts: non-coding transcript variant (1).
Genome position (GRCh38, 1-based): chr4:185,504,497-185,504,498, CA deleted on the plus strand (TG on the coding strand, the reverse complement: PDLIM3 is on the minus strand); deleting any 2 consecutive bases within chr4:185,504,497-185,504,500 gives the same sequence; the c. name uses the placement nearest the transcript's 3' end. VCF-style (leftmost placement, unchanged base first): chr4-185504496-TCA-T. GRCh37 (hg19) VCF-style: chr4-186425650-TCA-T.
Other names: c.738_739del, p.Cys246_Asp247delinsTer (NM_001114107.5); c.618_619del, p.Cys206_Asp207delinsTer (NM_001257962.2); c.381_382del, p.Cys127_Asp128delinsTer (NM_001257963.2).
Identifiers: ClinVar variation 2929484 (VCV002929484.3), dbSNP rs2095693247, ClinGen allele CA1519558894.